The following is an entry in ClinVar:

NM_001174089.2(SLC4A11):c.2350C>T (p.Gln784Ter)

Gene: SLC4A11 (solute carrier family 4 member 11; minus strand). Cytogenetic location: 20p13.
Variant type: single nucleotide variant.
Coding change: c.2350C>T on transcript NM_001174089.2 (MANE Select); coding-DNA position 2350, C replaced by T.
Protein change: p.Gln784Ter; replaces glutamine 784 with a stop codon.
Molecular consequence: nonsense. On other transcripts: non-coding transcript variant (1).
Genome position (GRCh38, 1-based): chr20:3,228,550, G>A on the plus strand (C>T on the coding strand, the complement: SLC4A11 is on the minus strand). VCF-style: chr20-3228550-G-A. GRCh37 (hg19) VCF-style: chr20-3209196-G-A.
Other names: c.2398C>T (NM_032034.3); c.2479C>T, p.Gln827Ter (NM_001174090.2); c.2236C>T, p.Gln746Ter (NM_001363745.2); c.2398C>T, p.Gln800Ter (NM_032034.4); short protein forms Q784*, Q800*, Q746*, Q827*.
Identifiers: ClinVar variation 1452930 (VCV001452930.8), dbSNP rs1335324642, ClinGen allele CA408085839.

ClinVar aggregate classification (germline): Pathogenic. Review status: criteria provided, multiple submitters, no conflicts (2 of 4 stars). 2 submissions from 2 submitters: Pathogenic (2). Last evaluated 2025-03-07.

Conditions:
Corneal dystrophy-perceptive deafness syndrome (CDPD). Also called: CORNEAL DYSTROPHY AND SENSORINEURAL DEAFNESS; HARBOYAN SYNDROME. Identifiers: Orphanet 1490, MedGen C1857572, MONDO:0009015, OMIM 217400.

Allele frequency attached by ClinVar (database versions not stated): gnomAD 0.00001.
gnomAD v4.1: 3 of 1,613,088 alleles (0.00019%); highest among the groups gnomAD compares: African/African-American, 0.0013%; no homozygotes.

Submissions (2):

Natera, Inc.
Classification: Pathogenic for Corneal dystrophy-perceptive deafness syndrome. Last evaluated: 2025-03-07. Review status: criteria provided, single submitter. Criteria: Natera Variant Classification Schema (03/2026). Collection method: clinical testing. Allele origin: germline.
Comment: The c.2398C>T variant in SLC4A11 is a nonsense variant predicted to introduce a stop codon at amino acid 800. This variant is expected to result in nonsense mediated decay, truncation, or a dysfunctional protein product. This variant is rare in the general population with a frequency below the threshold expected for the associated phenotype(s). This variant has been observed in one or more individuals affected with the associated recessive disease, as either homozygous or compound heterozygous with a second variant (PMID: 17397048). Additionally, this variant has been observed to segregate in affected family members (PMID: 17397048). Given the available evidence, this variant is classified as Pathogenic.

Labcorp Genetics (formerly Invitae), Labcorp
Classification: Pathogenic. Last evaluated: 2024-03-14. Review status: criteria provided, single submitter. Criteria: Invitae Variant Classification Sherloc (09022015). Collection method: clinical testing. Allele origin: germline.
Comment: This sequence change creates a premature translational stop signal (p.Gln800*) in the SLC4A11 gene. It is expected to result in an absent or disrupted protein product. Loss-of-function variants in SLC4A11 are known to be pathogenic (PMID: 17220209, 17679935). This variant is present in population databases (no rsID available, gnomAD 0.01%). This premature translational stop signal has been observed in individual(s) with congenital hereditary endothelial dystrophy (PMID: 17397048). It has also been observed to segregate with disease in related individuals. ClinVar contains an entry for this variant (Variation ID: 1452930). For these reasons, this variant has been classified as Pathogenic.

Literature cited by the submitters: PubMed 17397048 (cited by Natera, Inc. and Labcorp Genetics (formerly Invitae), Labcorp); PubMed 17220209 (cited by Labcorp Genetics (formerly Invitae), Labcorp); PubMed 17679935 (cited by Labcorp Genetics (formerly Invitae), Labcorp).